The following is an entry in ClinVar:

NM_001135649.3(FOXI3):c.89C>G (p.Pro30Arg)

Gene: FOXI3 (forkhead box I3; minus strand). Cytogenetic location: 2p11.2.
Variant type: single nucleotide variant.
Coding change: c.89C>G on transcript NM_001135649.3 (MANE Select); coding-DNA position 89, C replaced by G.
Protein change: p.Pro30Arg; replaces proline 30 with arginine.
Molecular consequence: missense variant.
Genome position (GRCh38, 1-based): chr2:88,452,447, G>C on the plus strand (C>G on the coding strand, the complement: FOXI3 is on the minus strand). VCF-style: chr2-88452447-G-C. GRCh37 (hg19) VCF-style: chr2-88751965-G-C.
Other names: short protein forms P30R.
Identifiers: ClinVar variation 4727341 (VCV004727341.1).
Genomic context (GRCh38, chr2:88,452,447, plus strand): 5'-GCGGCGGCGGCCGGCGGCGCGGCGTAGTCGGCCAGCCCGTAAGGCGCCCTGGCTGCCGGG[G>C]GGGCGCCCGGGGCGGCGGCGGTGGCGGCGGGCGGGGGCAGGCCGGGCTGCGAATACACTC-3'
Protein context (NP_001129121.1, residues 20-40): PAATAAAPGA[Pro30Arg]PAARAPYGLA

ClinVar aggregate classification (germline): Uncertain significance (1 of 4 stars; one submission).

Submission:

Labcorp Genetics (formerly Invitae), Labcorp
Classification: Uncertain significance. Last evaluated: 2025-09-17. Review status: criteria provided, single submitter. Criteria: Invitae Variant Classification Sherloc (09022015). Collection method: clinical testing. Allele origin: germline.
Comment: This sequence change replaces proline, which is neutral and non-polar, with arginine, which is basic and polar, at codon 30 of the FOXI3 protein (p.Pro30Arg). The frequency data for this variant in the population databases is considered unreliable, as metrics indicate insufficient coverage at this position in the gnomAD database. This variant has not been reported in the literature in individuals affected with FOXI3-related conditions. Experimental studies and prediction algorithms are not available or were not evaluated, and the functional significance of this variant is currently unknown. In summary, the available evidence is currently insufficient to determine the role of this variant in disease. Therefore, it has been classified as a Variant of Uncertain Significance.